The following is an entry in ClinVar:

ClinVar aggregate classification (germline): Uncertain significance (1 of 4 stars; one submission).

Submission:

GeneDx
Classification: Uncertain significance. Last evaluated: 2020-07-07. Review status: criteria provided, single submitter. Criteria: GeneDx Variant Classification Process June 2021. Collection method: clinical testing. Allele origin: germline. Affected: yes.
Comment: Not observed in large population cohorts (Lek et al., 2016); In silico analysis supports that this missense variant does not alter protein structure/function; Has not been previously published as pathogenic or benign to our knowledge

NM_018489.3(ASH1L):c.4045A>C (p.Lys1349Gln)

Gene: ASH1L (ASH1 like histone lysine methyltransferase; minus strand). Cytogenetic location: 1q22.
Variant type: single nucleotide variant.
Coding change: c.4045A>C on transcript NM_018489.3 (MANE Select); coding-DNA position 4045, A replaced by C.
Protein change: p.Lys1349Gln; replaces lysine 1349 with glutamine.
Molecular consequence: missense variant.
Genome position (GRCh38, 1-based): chr1:155,478,825, T>G on the plus strand (A>C on the coding strand, the complement: ASH1L is on the minus strand). VCF-style: chr1-155478825-T-G. GRCh37 (hg19) VCF-style: chr1-155448616-T-G.
Other names: c.4045A>C, p.Lys1349Gln (NM_001366177.2); short protein forms K1349Q.
Identifiers: ClinVar variation 1317323 (VCV001317323.2), dbSNP rs2148721442, ClinGen allele CA342705685.